The following is an entry in ClinVar:

NM_004438.5(EPHA4):c.2956G>A (p.Val986Ile)

Genes: EPHA4 (EPH receptor A4; minus strand), LOC126806527 (BRD4-independent group 4 enhancer GRCh37_chr2:222289669-222290868; plus strand). Cytogenetic location: 2q36.1.
Variant type: single nucleotide variant.
Coding change: c.2956G>A on transcript NM_004438.5 (MANE Select); coding-DNA position 2956, G replaced by A.
Protein change: p.Val986Ile; replaces valine 986 with isoleucine.
Molecular consequence: missense variant. On other transcripts: 3 prime UTR variant (1).
Genome position (GRCh38, 1-based): chr2:221,426,033, C>T on the plus strand (G>A on the coding strand, the complement: EPHA4 is on the minus strand). VCF-style: chr2-221426033-C-T. GRCh37 (hg19) VCF-style: chr2-222290753-C-T.
Other names: c.2956G>A, p.Val986Ile (NM_001304536.2); c.2803G>A, p.Val935Ile (NM_001304537.2); c.*135G>A (NM_001363748.2); c.2956G>A (NM_004438.4, NM_004438.3); short protein forms V986I, V935I.
Identifiers: ClinVar variation 1353594 (VCV001353594.11), dbSNP rs141387215, ClinGen allele CA2134621.

ClinVar aggregate classification (germline): Uncertain significance. Review status: criteria provided, multiple submitters, no conflicts (2 of 4 stars). 3 submissions from 3 submitters: Uncertain significance (2). 1 of the submissions does not count toward it. Last evaluated 2024-06-19.

Conditions:
EPHA4-related disorder. Also called: EPHA4-related condition.

Allele frequency attached by ClinVar (database versions not stated): 1000 Genomes Project 30x 0.00016; ExAC 0.00019; 1000 Genomes Project 0.00020; gnomAD 0.00062 and 0.00066; TOPMed 0.00083; ESP Exome Variant Server 0.00100.

Submissions (3):

Labcorp Genetics (formerly Invitae), Labcorp
Classification: Uncertain significance. Last evaluated: 2024-06-19. Review status: criteria provided, single submitter. Criteria: Invitae Variant Classification Sherloc (09022015). Collection method: clinical testing. Allele origin: germline.
Comment: This sequence change replaces valine, which is neutral and non-polar, with isoleucine, which is neutral and non-polar, at codon 986 of the EPHA4 protein (p.Val986Ile). This variant is present in population databases (rs141387215, gnomAD 0.2%), and has an allele count higher than expected for a pathogenic variant. This variant has not been reported in the literature in individuals affected with EPHA4-related conditions. ClinVar contains an entry for this variant (Variation ID: 1353594). An algorithm developed to predict the effect of missense changes on protein structure and function (PolyPhen-2) suggests that this variant is likely to be disruptive. In summary, the available evidence is currently insufficient to determine the role of this variant in disease. Therefore, it has been classified as a Variant of Uncertain Significance.

Ambry Genetics
Classification: Uncertain significance. Last evaluated: 2024-01-19. Review status: criteria provided, single submitter. Criteria: Ambry Variant Classification Scheme 2023. Collection method: clinical testing. Allele origin: germline.

PreventionGenetics, part of Exact Sciences
Classification: Likely benign for EPHA4-related condition. Last evaluated: 2022-07-25. Review status: no assertion criteria provided. Collection method: clinical testing. Allele origin: germline. Not counted in ClinVar's aggregate classification.
Comment: This variant is classified as likely benign based on ACMG/AMP sequence variant interpretation guidelines (Richards et al. 2015 PMID: 25741868, with internal and published modifications).